The following is an entry in ClinVar:

ClinVar aggregate classification (germline): Uncertain significance. Review status: criteria provided, multiple submitters, no conflicts (2 of 4 stars). 8 submissions from 8 submitters: Uncertain significance (8). Last evaluated 2026-05-18.

Conditions:
PRX-related disorder. Also called: PRX-Related Disorders; PRX-related condition.
Inborn genetic diseases. Identifiers: MedGen C0950123, MeSH D030342.
Charcot-Marie-Tooth disease. Also called: Charcot-Marie-Tooth Hereditary Neuropathy; Charcot-Marie-Tooth Neuropathy. Identifiers: Orphanet 166, MedGen C0007959, MONDO:0015626.
Charcot-Marie-Tooth disease type 4. Also called: Charcot-Marie-Tooth disease, type IV; Charcot-Marie-Tooth, Type 4. Identifiers: Orphanet 64749, MedGen C4082197, MONDO:0018995.

Allele frequency attached by ClinVar (database versions not stated): ExAC 0.00010; gnomAD exomes 0.00011 and 0.00025; TOPMed 0.00011; gnomAD 0.00017; 1000 Genomes Project 0.00020; 1000 Genomes Project 30x 0.00031; ESP Exome Variant Server 0.00038.
gnomAD v4.1: 383 of 1,611,212 alleles (0.024%); highest among the groups gnomAD compares: Non-Finnish European, 0.031%; no homozygotes.

Submissions (8):

PreventionGenetics, part of Exact Sciences
Classification: Uncertain significance for PRX-related condition. Last evaluated: 2026-05-18. Review status: criteria provided, single submitter. Criteria: ACMG Guidelines, 2015. Collection method: clinical testing. Allele origin: germline.
Comment: The PRX c.3656C>T variant is predicted to result in the amino acid substitution p.Pro1219Leu. This variant was reported as a variant of uncertain significance in an individual from a large cohort study of Charcot-Marie-Tooth disease; however, additional evidence was not provided (Volodarsky et al. 2021. PubMed ID: 32376792). This variant is reported in 0.023% of alleles in individuals of European (non-Finnish) descent in gnomAD, which is likely too common for an autosomal dominant disorder. At this time, the clinical significance of this variant is uncertain due to the absence of conclusive functional and genetic evidence.

Ambry Genetics
Classification: Uncertain significance for Inborn genetic diseases. Last evaluated: 2025-10-21. Review status: criteria provided, single submitter. Criteria: Ambry Variant Classification Scheme 2023. Collection method: clinical testing. Allele origin: germline.

Athena Diagnostics
Classification: Uncertain significance. Last evaluated: 2024-08-13. Review status: criteria provided, single submitter. Criteria: Athena Diagnostics Criteria. Collection method: clinical testing. Allele origin: unknown.
Comment: Available data are insufficient to determine the clinical significance of the variant at this time. The frequency of this variant in the general population is uninformative in assessment of its pathogenicity. In multiple individuals, this variant has been seen where an alternate explanation for disease was also identified, suggesting this variant is unlikely to cause disease. Polyphen and MutationTaster predict this amino acid change may be damaging to the protein.

Blueprint Genetics
Classification: Uncertain significance. Last evaluated: 2024-02-16. Review status: criteria provided, single submitter. Criteria: ACMG Guidelines, 2015. Collection method: clinical testing. Allele origin: germline.

Labcorp Genetics (formerly Invitae), Labcorp
Classification: Uncertain significance for Charcot-Marie-Tooth disease type 4. Last evaluated: 2022-09-07. Review status: criteria provided, single submitter. Criteria: Invitae Variant Classification Sherloc (09022015). Collection method: clinical testing. Allele origin: germline.
Comment: This sequence change replaces proline, which is neutral and non-polar, with leucine, which is neutral and non-polar, at codon 1219 of the PRX protein (p.Pro1219Leu). This variant is present in population databases (rs201393544, gnomAD 0.02%). This missense change has been observed in individual(s) with clinical features of Charcot-Marie-Tooth disease (PMID: 32376792). ClinVar contains an entry for this variant (Variation ID: 245707). Algorithms developed to predict the effect of missense changes on protein structure and function (SIFT, PolyPhen-2, Align-GVGD) all suggest that this variant is likely to be disruptive. In summary, the available evidence is currently insufficient to determine the role of this variant in disease. Therefore, it has been classified as a Variant of Uncertain Significance.

Mayo Clinic Laboratories, Mayo Clinic
Classification: Uncertain significance. Last evaluated: 2021-06-17. Review status: criteria provided, single submitter. Criteria: ACMG Guidelines, 2015. Collection method: clinical testing. Allele origin: germline.

GeneDx
Classification: Uncertain significance. Last evaluated: 2015-04-14. Review status: criteria provided, single submitter. Criteria: GeneDx Variant Classification (06012015). Collection method: clinical testing. Allele origin: germline. Affected: yes.
Comment: The P1219L variant has not been published as a mutation, nor has it been reported as a benign polymorphism to our knowledge. It was not observed with any significant frequency in approximately 6,500 individuals of European and African American ancestry in the NHLBI Exome Sequencing Project. The 1000 Genomes Project reports P1219L was observed in 1/198 (0.5%) alleles from individuals of European background in Utah. This substitution occurs at a position that is conserved across species, and in silico analysis predicts this variant is probably damaging to the protein structure/function. The P1219L variant is a semi-conservative amino acid substitution, which may impact secondary protein structure as these residues differ in some properties. Based on the currently available information, it is unclear whether the P1219L variant is a pathogenic mutation or a rare benign variant.

Molecular Genetics Laboratory, London Health Sciences Centre
Classification: Uncertain significance for Charcot-Marie-Tooth disease. Review status: criteria provided, single submitter. Criteria: ACMG Guidelines, 2015. Collection method: clinical testing. Allele origin: germline. Affected: yes.

Literature cited by the submitters: PubMed 32376792 (cited by Athena Diagnostics and Labcorp Genetics (formerly Invitae), Labcorp).

NM_181882.3(PRX):c.3656C>T (p.Pro1219Leu)

Gene: PRX (periaxin; minus strand). Cytogenetic location: 19q13.2.
Variant type: single nucleotide variant.
Coding change: c.3656C>T on transcript NM_181882.3 (MANE Select); coding-DNA position 3656, C replaced by T.
Protein change: p.Pro1219Leu; replaces proline 1219 with leucine.
Molecular consequence: missense variant. On other transcripts: 3 prime UTR variant (1).
Genome position (GRCh38, 1-based): chr19:40,394,696, G>A on the plus strand (C>T on the coding strand, the complement: PRX is on the minus strand). VCF-style: chr19-40394696-G-A. GRCh37 (hg19) VCF-style: chr19-40900603-G-A.
Other names: p.Pro1219Leu; c.*3861C>T (NM_020956.2); short protein forms P1219L.
Identifiers: ClinVar variation 245707 (VCV000245707.17), dbSNP rs201393544, ClinGen allele CA9443819.